The following is an entry in ClinVar:

NM_005612.5(REST):c.1652C>G (p.Ser551Cys)

Gene: REST (RE1 silencing transcription factor; plus strand). Cytogenetic location: 4q12.
Variant type: single nucleotide variant.
Coding change: c.1652C>G on transcript NM_005612.5 (MANE Select); coding-DNA position 1652, C replaced by G.
Protein change: p.Ser551Cys; replaces serine 551 with cysteine.
Molecular consequence: missense variant.
Genome position (GRCh38, 1-based): chr4:56,930,510, C>G. VCF-style: chr4-56930510-C-G. GRCh37 (hg19) VCF-style: chr4-57796676-C-G.
Other names: c.1652C>G, p.Ser551Cys (NM_001193508.2, NM_001363453.3); short protein forms S551C.
Identifiers: ClinVar variation 1034648 (VCV001034648.8), dbSNP rs777556718, ClinGen allele CA357007105.

ClinVar aggregate classification (germline): Uncertain significance (1 of 4 stars; one submission).

Allele frequency attached by ClinVar (database versions not stated): gnomAD 0.00001; TOPMed 0.00001.
gnomAD v4.1: 9 of 1,610,590 alleles (0.00056%); highest among the groups gnomAD compares: African/African-American, 0.0013%; no homozygotes.

Submission:

Labcorp Genetics (formerly Invitae), Labcorp
Classification: Uncertain significance. Last evaluated: 2025-12-15. Review status: criteria provided, single submitter. Criteria: Invitae Variant Classification Sherloc (09022015). Collection method: clinical testing. Allele origin: germline.
Comment: This sequence change replaces serine, which is neutral and polar, with cysteine, which is neutral and slightly polar, at codon 551 of the REST protein (p.Ser551Cys). This variant is present in population databases (no rsID available, gnomAD 0.004%). This variant has not been reported in the literature in individuals affected with REST-related conditions. ClinVar contains an entry for this variant (Variation ID: 1034648). An algorithm developed to predict the effect of missense changes on protein structure and function (PolyPhen-2) suggests that this variant is likely to be disruptive. In summary, the available evidence is currently insufficient to determine the role of this variant in disease. Therefore, it has been classified as a Variant of Uncertain Significance.